The following is an entry in ClinVar:

NM_207308.3(NUP210L):c.674del (p.Gly225fs)

Gene: NUP210L (nucleoporin 210 like; minus strand). Cytogenetic location: 1q21.3.
Variant type: Deletion.
Coding change: c.674del on transcript NM_207308.3 (MANE Select); coding-DNA position 674, one base deleted (G; older notation c.674delG).
Protein change: p.Gly225fs; shifts the reading frame from glycine 225.
Molecular consequence: frameshift variant.
Genome position (GRCh38, 1-based): chr1:154,139,845, C deleted on the plus strand (G on the coding strand, the reverse complement: NUP210L is on the minus strand); the first of 2 consecutive C bases (chr1:154,139,845-154,139,846); deleting either gives the same sequence. VCF-style (leftmost placement, unchanged base first): chr1-154139844-AC-A. GRCh37 (hg19) VCF-style: chr1-154112320-AC-A.
Other names: c.674del, p.Gly225fs (NM_001159484.1); short protein forms G225fs.
Identifiers: ClinVar variation 4849366 (VCV004849366.1).
Genomic context (GRCh38, chr1:154,139,844, plus strand): 5'-AGCACACAAACTTTTTACCTTATAGAATGGTTCATGAATTCGAACTTTTACAACAGCAGC[AC>A]CAGTTCTAATCCCAGACACTAAAATCACATCTCCTTGTTTCTCCTCTTTTTCCATCTCAG-3'

ClinVar aggregate classification (germline): Likely pathogenic (1 of 4 stars; one submission).

Conditions:
Spermatogenic failure 97. Identifiers: MedGen C5975569, MONDO:0975958, OMIM 621057.

Submission:

First Genomix Gene Laboratory, Genetic Diagnostics Department
Classification: Likely pathogenic for Spermatogenic failure 97. Last evaluated: 2025-06-19. Review status: criteria provided, single submitter. Criteria: ACMG Guidelines, 2015. Collection method: clinical testing. Allele origin: germline. Inheritance: Autosomal recessive inheritance. Affected: no. Observed: 1 variant allele.